The following is an entry in ClinVar:

NM_007194.4(CHEK2):c.600C>G (p.Val200=)

Gene: CHEK2 (checkpoint kinase 2; minus strand). Cytogenetic location: 22q12.1.
Variant type: single nucleotide variant.
Coding change: c.600C>G on transcript NM_007194.4 (MANE Select); coding-DNA position 600, C replaced by G.
Protein change: p.Val200=; no amino-acid change (valine 200 retained).
Molecular consequence: synonymous variant. On other transcripts: 5 prime UTR variant (2), intron variant (1).
Genome position (GRCh38, 1-based): chr22:28,719,478, G>C on the plus strand (C>G on the coding strand, the complement: CHEK2 is on the minus strand). VCF-style: chr22-28719478-G-C. GRCh37 (hg19) VCF-style: chr22-29115466-G-C.
Other names: c.729C>G, p.Val243= (NM_001005735.3, NM_001438294.1); c.-64C>G (NM_001257387.3, NM_001437942.1); c.693C>G, p.Val231= (NM_001438293.1, NM_001438295.1); c.600C>G, p.Val200= (NM_145862.3); c.482+5408C>G (NM_001349956.3).
Identifiers: ClinVar variation 186108 (VCV000186108.26), dbSNP rs141685349, ClinGen allele CA193885.

ClinVar aggregate classification (germline): Benign/Likely benign. Review status: criteria provided, multiple submitters, no conflicts (2 of 4 stars). 7 submissions from 7 submitters: Benign (1); Likely benign (6). Last evaluated 2026-01-02.

Conditions:
Hereditary cancer-predisposing syndrome. Also called: Tumor predisposition; Neoplastic Syndromes, Hereditary; Hereditary neoplastic syndrome; Hereditary Cancer Syndrome. Identifiers: Orphanet 140162, MedGen C0027672, MeSH D009386, MONDO:0015356.
Familial cancer of breast. Also called: BREAST CANCER, FAMILIAL; hereditary breast carcinoma; Hereditary breast cancer. Identifiers: Orphanet 227535, MedGen C0346153, MONDO:0016419, OMIM 114480. Disease mechanism: loss of function.

Allele frequency attached by ClinVar (database versions not stated): gnomAD 0.00002; TOPMed 0.00002; gnomAD exomes 0.00003; ESP Exome Variant Server 0.00008; ExAC 0.00009.
gnomAD v4.1: 45 of 1,578,194 alleles (0.0029%); highest among the groups gnomAD compares: Middle Eastern, 0.017%; no homozygotes.

Submissions (7):

Labcorp Genetics (formerly Invitae), Labcorp
Classification: Likely benign for Familial cancer of breast. Last evaluated: 2026-01-02. Review status: criteria provided, single submitter. Criteria: Invitae Variant Classification Sherloc (09022015). Collection method: clinical testing. Allele origin: germline.

Center for Genomic Medicine, Rigshospitalet, Copenhagen University Hospital
Classification: Likely benign. Last evaluated: 2025-03-04. Review status: criteria provided, single submitter. Criteria: ACMG Guidelines, 2015. Collection method: clinical testing. Allele origin: germline.

Myriad Genetics, Inc.
Classification: Benign for Familial cancer of breast. Last evaluated: 2024-10-03. Review status: criteria provided, single submitter. Criteria: Myriad Autosomal Dominant, Autosomal Recessive and X-Linked Classification Criteria (2023). Collection method: clinical testing. Allele origin: unknown.
Comment: This variant is considered benign. This variant is a silent/synonymous amino acid change and it is not expected to impact splicing.

Blueprint Genetics
Classification: Likely benign. Last evaluated: 2023-05-15. Review status: criteria provided, single submitter. Criteria: ACMG Guidelines, 2015. Collection method: clinical testing. Allele origin: germline.

GeneDx
Classification: Likely benign. Last evaluated: 2019-07-15. Review status: criteria provided, single submitter. Criteria: GeneDx Variant Classification Process June 2021. Collection method: clinical testing. Allele origin: germline. Affected: yes.

Color Diagnostics, LLC DBA Color Health
Classification: Likely benign for Hereditary cancer-predisposing syndrome. Last evaluated: 2015-05-29. Review status: criteria provided, single submitter. Criteria: ACMG Guidelines, 2015. Collection method: clinical testing. Allele origin: germline.

Ambry Genetics
Classification: Likely benign for Hereditary cancer-predisposing syndrome. Last evaluated: 2014-09-30. Review status: criteria provided, single submitter. Criteria: Ambry Variant Classification Scheme 2023. Collection method: clinical testing. Allele origin: germline.